The following is an entry in ClinVar:

NM_014321.4(ORC6):c.26T>C (p.Leu9Pro)

Gene: ORC6 (origin recognition complex subunit 6; plus strand). Cytogenetic location: 16q11.2.
Variant type: single nucleotide variant.
Coding change: c.26T>C on transcript NM_014321.4 (MANE Select); coding-DNA position 26, T replaced by C.
Protein change: p.Leu9Pro; replaces leucine 9 with proline.
Molecular consequence: missense variant. On other transcripts: non-coding transcript variant (1).
Genome position (GRCh38, 1-based): chr16:46,689,731, T>C. VCF-style: chr16-46689731-T-C. GRCh37 (hg19) VCF-style: chr16-46723643-T-C.
Other names: short protein forms L9P.
Identifiers: ClinVar variation 2075487 (VCV002075487.1), dbSNP rs752726960, ClinGen allele CA8037252.
Genomic context (GRCh38, chr16:46,689,731, plus strand): 5'-CGTTCACGGGAATTGTTCGCTTTAGTGCCGGCGCCATGGGGTCGGAGCTGATCGGGCGCC[T>C]AGCCCCGCGCCTGGGCCTCGCCGAGCCCGACATGCTGAGGTGAGTTCGGCCGCGCAAGAC-3'
Protein context (NP_055136.1, residues 1-19): MGSELIGR[Leu9Pro]APRLGLAEPD

ClinVar aggregate classification (germline): Uncertain significance (1 of 4 stars; one submission).

Allele frequency attached by ClinVar (database versions not stated): gnomAD 0.00001; ExAC 0.00002.

Submission:

Labcorp Genetics (formerly Invitae), Labcorp
Classification: Uncertain significance. Last evaluated: 2022-04-01. Review status: criteria provided, single submitter. Criteria: Invitae Variant Classification Sherloc (09022015). Collection method: clinical testing. Allele origin: germline.
Comment: This sequence change replaces leucine, which is neutral and non-polar, with proline, which is neutral and non-polar, at codon 9 of the ORC6 protein (p.Leu9Pro). The frequency data for this variant in the population databases is considered unreliable, as metrics indicate poor data quality at this position in the gnomAD database. This variant has not been reported in the literature in individuals affected with ORC6-related conditions. Algorithms developed to predict the effect of missense changes on protein structure and function (SIFT, PolyPhen-2, Align-GVGD) all suggest that this variant is likely to be disruptive. In summary, the available evidence is currently insufficient to determine the role of this variant in disease. Therefore, it has been classified as a Variant of Uncertain Significance.